The following is an entry in ClinVar:

ClinVar aggregate classification (germline): Pathogenic (1 of 4 stars; one submission).

Conditions:
Congenital factor V deficiency. Also called: LABILE FACTOR DEFICIENCY; OWREN PARAHEMOPHILIA; PARAHEMOPHILIA; Hereditary factor V deficiency disease. Identifiers: Orphanet 326, MedGen C0015499, MONDO:0009210, OMIM 227400.

Allele frequency attached by ClinVar (database versions not stated): gnomAD exomes below 0.00001.
gnomAD v4.1: 2 of 1,613,838 alleles (0.00012%); highest among the groups gnomAD compares: East Asian, 0.0045%; no homozygotes.

Submission:

Labcorp Genetics (formerly Invitae), Labcorp
Classification: Pathogenic for Congenital factor V deficiency. Last evaluated: 2024-04-25. Review status: criteria provided, single submitter. Criteria: Invitae Variant Classification Sherloc (09022015). Collection method: clinical testing. Allele origin: germline.
Comment: This sequence change replaces phenylalanine, which is neutral and non-polar, with serine, which is neutral and polar, at codon 218 of the F5 protein (p.Phe218Ser). This variant is not present in population databases (gnomAD no frequency). This missense change has been observed in individual(s) with autosomal recessive factor V deficiency (PMID: 19052695, 32219828, 34280927). In at least one individual the data is consistent with being in trans (on the opposite chromosome) from a pathogenic variant. This variant is also known as 743T>C (F190S). Advanced modeling of protein sequence and biophysical properties (such as structural, functional, and spatial information, amino acid conservation, physicochemical variation, residue mobility, and thermodynamic stability) performed at Invitae indicates that this missense variant is expected to disrupt F5 protein function with a positive predictive value of 80%. For these reasons, this variant has been classified as Pathogenic.

Literature cited by the submitters: PubMed 19052695; PubMed 32219828; PubMed 34280927.

NM_000130.5(F5):c.653T>C (p.Phe218Ser)

Gene: F5 (coagulation factor V; minus strand). Cytogenetic location: 1q24.2.
Variant type: single nucleotide variant.
Coding change: c.653T>C on transcript NM_000130.5 (MANE Select); coding-DNA position 653, T replaced by C.
Protein change: p.Phe218Ser; replaces phenylalanine 218 with serine.
Molecular consequence: missense variant.
Genome position (GRCh38, 1-based): chr1:169,559,230, A>G on the plus strand (T>C on the coding strand, the complement: F5 is on the minus strand). VCF-style: chr1-169559230-A-G. GRCh37 (hg19) VCF-style: chr1-169528468-A-G.
Other names: short protein forms F218S.
Identifiers: ClinVar variation 2734025 (VCV002734025.3), dbSNP rs1660402465, ClinGen allele CA343136000.
Genomic context (GRCh38, chr1:169,559,230, plus strand): 5'-ACATATCCATTGACTGTGTACATTAGGGATGATGACTGGCTCCAGCTCTTGCTTTCATCA[A>G]ACACAGCAAATAGTAGCACGATTTGCTTGTCAAACGTCTTCTGTGTCCCACCCTCAGTTA-3'
Protein context (NP_000121.2, residues 208-228): DKQIVLLFAV[Phe218Ser]DESKSWSQSS